The following is an entry in ClinVar:

NM_020975.6(RET):c.487C>T (p.Arg163Trp)

Gene: RET (ret proto-oncogene; plus strand). Cytogenetic location: 10q11.21.
Variant type: single nucleotide variant.
Coding change: c.487C>T on transcript NM_020975.6 (MANE Select); coding-DNA position 487, C replaced by T.
Protein change: p.Arg163Trp; replaces arginine 163 with tryptophan.
Molecular consequence: missense variant.
Genome position (GRCh38, 1-based): chr10:43,102,491, C>T. VCF-style: chr10-43102491-C-T. GRCh37 (hg19) VCF-style: chr10-43597939-C-T.
Other names: c.487C>T, p.Arg163Trp (NM_000323.2, NM_001406743.1, NM_001406744.1 and 16 more transcripts); c.358C>T, p.Arg120Trp (NM_001406761.1, NM_001406762.1, NM_001406764.1 and 4 more transcripts); short protein forms R163W, R120W.
Identifiers: ClinVar variation 992568 (VCV000992568.13), dbSNP rs371153966, ClinGen allele CA376543226.
Genomic context (GRCh38, chr10:43,102,491, plus strand): 5'-GCCCGCGTATACTTCTCCTTCTTCAACACCTCCTTTCCAGCCTGCAGCTCCCTCAAGCCC[C>T]GGGAGCTCTGCTTCCCAGAGACAAGGCCCTCCTTCCGCATTCGGGAGAACCGACCCCCAG-3'
Protein context (NP_066124.1, residues 153-173): SFPACSSLKP[Arg163Trp]ELCFPETRPS

ClinVar aggregate classification (germline): Uncertain significance. Review status: criteria provided, multiple submitters, no conflicts (2 of 4 stars). 5 submissions from 5 submitters: Uncertain significance (4). 1 of the submissions does not count toward it. Last evaluated 2025-08-06.

Conditions:
Appendicitis. Identifiers: MedGen C0003615, MeSH D001064, MONDO:0005649, HP:6000143.
Hereditary cancer-predisposing syndrome. Also called: Neoplastic Syndromes, Hereditary; Hereditary Cancer Syndrome; Tumor predisposition; Hereditary neoplastic syndrome. Identifiers: Orphanet 140162, MedGen C0027672, MeSH D009386, MONDO:0015356.
Hirschsprung disease, susceptibility to, 1 (HSCR1). Also called: RET-Related Hirschsprung Disease. Identifiers: Orphanet 388, MedGen C3888239, MONDO:0007723, OMIM 142623.
Multiple endocrine neoplasia, type 2 (MEN2). Identifiers: Orphanet 653, MedGen C4048306, MONDO:0019003. Disease mechanism: gain of function.

Submissions (5):

Labcorp Genetics (formerly Invitae), Labcorp
Classification: Uncertain significance for Multiple endocrine neoplasia, type 2. Last evaluated: 2025-08-06. Review status: criteria provided, single submitter. Criteria: Invitae Variant Classification Sherloc (09022015). Collection method: clinical testing. Allele origin: germline.
Comment: This sequence change replaces arginine, which is basic and polar, with tryptophan, which is neutral and slightly polar, at codon 163 of the RET protein (p.Arg163Trp). This variant is present in population databases (no rsID available, gnomAD 0.006%). This variant has not been reported in the literature in individuals affected with RET-related conditions. ClinVar contains an entry for this variant (Variation ID: 992568). An algorithm developed to predict the effect of missense changes on protein structure and function (PolyPhen-2) suggests that this variant is likely to be disruptive. In summary, the available evidence is currently insufficient to determine the role of this variant in disease. Therefore, it has been classified as a Variant of Uncertain Significance.

Baylor Genetics
Classification: Uncertain significance for Hirschsprung disease, susceptibility to, 1. Last evaluated: 2024-03-05. Review status: criteria provided, single submitter. Criteria: ACMG Guidelines, 2015. Collection method: clinical testing. Allele origin: unknown.

Color Diagnostics, LLC DBA Color Health
Classification: Uncertain significance for Multiple endocrine neoplasia, type 2. Last evaluated: 2023-10-30. Review status: criteria provided, single submitter. Criteria: ACMG Guidelines, 2015. Collection method: clinical testing. Allele origin: germline.
Comment: This missense variant replaces arginine with tryptophan at codon 163 of the RET protein. Computational prediction suggests that this variant may not impact protein structure and function. To our knowledge, functional studies have not been reported for this variant. This variant has not been reported in individuals affected with RET-related disorders in the literature. This variant has been identified in 3/282842 chromosomes in the general population by the Genome Aggregation Database (gnomAD). The available evidence is insufficient to determine the role of this variant in disease conclusively. Therefore, this variant is classified as a Variant of Uncertain Significance.

Ambry Genetics
Classification: Uncertain significance for Hereditary cancer-predisposing syndrome. Last evaluated: 2022-02-18. Review status: criteria provided, single submitter. Criteria: Ambry Variant Classification Scheme 2023. Collection method: clinical testing. Allele origin: germline.
Comment: The p.R163W variant (also known as c.487C>T), located in coding exon 3 of the RET gene, results from a C to T substitution at nucleotide position 487. The arginine at codon 163 is replaced by tryptophan, an amino acid with dissimilar properties. This amino acid position is not well conserved in available vertebrate species. In addition, the in silico prediction for this alteration is inconclusive. Based on data from gnomAD, the frequency for this variant is above the maximum credible frequency for a disease-causing variant in this gene based on internally established thresholds (Karczewski et al. Nature. 2020 May;581(7809):434-443; Whiffin et al. Genet Med. 2017 10;19:1151-1158). Based on the supporting evidence, the association of this alteration with Hirschsprung is unknown; however, the association of this alteration with MEN2 is unlikely.

Klinik und Poliklinik für Kinderchirurgie, Technische Universität Dresden, Universitätsklinikum Carl Gustav Carus
Classification: Uncertain significance for Appendicitis. Last evaluated: 2020-12-17. Review status: no assertion criteria provided. Collection method: case-control. Allele origin: paternal. Inheritance: Autosomal dominant inheritance. Affected: yes. Observed: 1 heterozygote. Not counted in ClinVar's aggregate classification.